The following is an entry in ClinVar:

NM_031935.3(HMCN1):c.8937C>G (p.Asn2979Lys)

Gene: HMCN1 (hemicentin 1; plus strand). Cytogenetic location: 1q31.1.
Variant type: single nucleotide variant.
Coding change: c.8937C>G on transcript NM_031935.3 (MANE Select); coding-DNA position 8937, C replaced by G.
Protein change: p.Asn2979Lys; replaces asparagine 2979 with lysine.
Molecular consequence: missense variant.
Genome position (GRCh38, 1-based): chr1:186,086,298, C>G. VCF-style: chr1-186086298-C-G. GRCh37 (hg19) VCF-style: chr1-186055430-C-G.
Other names: short protein forms N2979K.
Identifiers: ClinVar variation 3684598 (VCV003684598.2).

ClinVar aggregate classification (germline): Uncertain significance (1 of 4 stars; one submission).

gnomAD v4.1: 2 of 1,613,206 alleles (0.00012%); highest among the groups gnomAD compares: Non-Finnish European, 0.00017%; no homozygotes.

Submission:

Labcorp Genetics (formerly Invitae), Labcorp
Classification: Uncertain significance. Last evaluated: 2024-03-23. Review status: criteria provided, single submitter. Criteria: Invitae Variant Classification Sherloc (09022015). Collection method: clinical testing. Allele origin: germline.
Comment: This sequence change replaces asparagine, which is neutral and polar, with lysine, which is basic and polar, at codon 2979 of the HMCN1 protein (p.Asn2979Lys). This variant is not present in population databases (gnomAD no frequency). This variant has not been reported in the literature in individuals affected with HMCN1-related conditions. An algorithm developed to predict the effect of missense changes on protein structure and function (PolyPhen-2) suggests that this variant is likely to be disruptive. In summary, the available evidence is currently insufficient to determine the role of this variant in disease. Therefore, it has been classified as a Variant of Uncertain Significance.